The following is an entry in ClinVar:

NM_004183.4(BEST1):c.1636G>C (p.Glu546Gln)

Gene: BEST1 (bestrophin 1; plus strand). Cytogenetic location: 11q12.3.
Variant type: single nucleotide variant.
Coding change: c.1636G>C on transcript NM_004183.4 (MANE Select); coding-DNA position 1636, G replaced by C.
Protein change: p.Glu546Gln; replaces glutamic acid 546 with glutamine.
Molecular consequence: missense variant. On other transcripts: non-coding transcript variant (1).
Genome position (GRCh38, 1-based): chr11:61,962,790, G>C. VCF-style: chr11-61962790-G-C. GRCh37 (hg19) VCF-style: chr11-61730262-G-C.
Other names: c.1456G>C, p.Glu486Gln (NM_001139443.3, NM_001300787.2); c.1375G>C, p.Glu459Gln (NM_001300786.2); c.1318G>C, p.Glu440Gln (NM_001363591.3); c.*531G>C (NM_001363592.2); c.664G>C, p.Glu222Gln (NM_001363593.3); short protein forms E440Q, E459Q, E486Q, E546Q, E222Q.
Identifiers: ClinVar variation 1443742 (VCV001443742.6), dbSNP rs773615280, ClinGen allele CA6041095.

ClinVar aggregate classification (germline): Uncertain significance (1 of 4 stars; one submission).

Allele frequency attached by ClinVar (database versions not stated): ExAC 0.00001.
gnomAD v4.1: 19 of 1,614,096 alleles (0.0012%); highest among the groups gnomAD compares: Non-Finnish European, 0.0014%; no homozygotes.

Submission:

Labcorp Genetics (formerly Invitae), Labcorp
Classification: Uncertain significance. Last evaluated: 2024-08-11. Review status: criteria provided, single submitter. Criteria: Invitae Variant Classification Sherloc (09022015). Collection method: clinical testing. Allele origin: germline.
Comment: This sequence change replaces glutamic acid, which is acidic and polar, with glutamine, which is neutral and polar, at codon 546 of the BEST1 protein (p.Glu546Gln). This variant is present in population databases (rs773615280, gnomAD 0.002%). This variant has not been reported in the literature in individuals affected with BEST1-related conditions. ClinVar contains an entry for this variant (Variation ID: 1443742). Advanced modeling of protein sequence and biophysical properties (such as structural, functional, and spatial information, amino acid conservation, physicochemical variation, residue mobility, and thermodynamic stability) has been performed at Invitae for this missense variant, however the output from this modeling did not meet the statistical confidence thresholds required to predict the impact of this variant on BEST1 protein function. In summary, the available evidence is currently insufficient to determine the role of this variant in disease. Therefore, it has been classified as a Variant of Uncertain Significance.